The following is an entry in ClinVar:

NM_000143.4(FH):c.393A>G (p.Lys131=)

Gene: FH (fumarate hydratase; minus strand). Cytogenetic location: 1q43.
Variant type: single nucleotide variant.
Coding change: c.393A>G on transcript NM_000143.4 (MANE Select); coding-DNA position 393, A replaced by G.
Protein change: p.Lys131=; no amino-acid change (lysine 131 retained).
Molecular consequence: synonymous variant.
Genome position (GRCh38, 1-based): chr1:241,512,129, T>C on the plus strand (A>G on the coding strand, the complement: FH is on the minus strand). VCF-style: chr1-241512129-T-C. GRCh37 (hg19) VCF-style: chr1-241675429-T-C.
Identifiers: ClinVar variation 2587062 (VCV002587062.6), dbSNP rs2147922022, ClinGen allele CA424076342.

ClinVar aggregate classification (germline): Conflicting classifications of pathogenicity. Review status: criteria provided, conflicting classifications (1 of 4 stars). 2 submissions from 2 submitters: Likely pathogenic (1); Likely benign (1). Last evaluated 2025-07-30.

Conditions:
Hereditary cancer-predisposing syndrome. Also called: Tumor predisposition; Hereditary Cancer Syndrome; Hereditary neoplastic syndrome; Neoplastic Syndromes, Hereditary. Identifiers: Orphanet 140162, MedGen C0027672, MeSH D009386, MONDO:0015356.

Submissions (2):

Ambry Genetics
Classification: Likely pathogenic for Hereditary cancer-predisposing syndrome. Last evaluated: 2025-07-30. Review status: criteria provided, single submitter. Criteria: Ambry Variant Classification Scheme 2023. Collection method: clinical testing. Allele origin: germline.
Comment: The c.393A>G variant (also known as p.K131K), located in coding exon 4 of the FH gene, results from an A to G substitution at nucleotide position 393. This alteration has been observed in at least one individual with a personal and/or family history that is consistent with FH-related disease (Ambry internal data). This nucleotide substitution does not change the amino acid at codon 131. This nucleotide position is well conserved in available vertebrate species. In silico splice site analysis for this alteration is inconclusive. RNA studies have demonstrated that this alteration results in abnormal splicing in the set of samples tested (Ambry internal data). This variant is considered to be rare based on population cohorts in the Genome Aggregation Database (gnomAD). Based on the majority of available evidence to date, this variant is likely to be pathogenic.

Labcorp Genetics (formerly Invitae), Labcorp
Classification: Likely benign. Last evaluated: 2024-04-10. Review status: criteria provided, single submitter. Criteria: Invitae Variant Classification Sherloc (09022015). Collection method: clinical testing. Allele origin: germline.